The following is an entry in ClinVar:

NM_000100.4(CSTB):c.42C>G (p.Ala14=)

Genes: CSTB (cystatin B; minus strand), LOC130066788 (ATAC-STARR-seq lymphoblastoid silent region 13368; plus strand). Cytogenetic location: 21q22.3.
Variant type: single nucleotide variant.
Coding change: c.42C>G on transcript NM_000100.4 (MANE Select); coding-DNA position 42, C replaced by G.
Protein change: p.Ala14=; no amino-acid change (alanine 14 retained).
Molecular consequence: synonymous variant.
Genome position (GRCh38, 1-based): chr21:43,776,228, G>C on the plus strand (C>G on the coding strand, the complement: CSTB is on the minus strand). VCF-style: chr21-43776228-G-C. GRCh37 (hg19) VCF-style: chr21-45196109-G-C.
Other names: c.42C>G (NM_000100.3).
Identifiers: ClinVar variation 1652345 (VCV001652345.10), dbSNP rs2123387857, ClinGen allele CA512475935.

ClinVar aggregate classification (germline): Likely benign. Review status: criteria provided, single submitter (1 of 4 stars). 2 submissions from 2 submitters: Likely benign (1). 1 of the submissions does not count toward it. Last evaluated 2020-11-16.

Conditions:
Progressive myoclonic epilepsy. Also called: Familial progressive myoclonic epilepsy; Myoclonic Epilepsies, Progressive; Myoclonus epilepsy; Progressive myoclonus epilepsy. Identifiers: Orphanet 308, Orphanet 98261, MedGen C0751778, MONDO:0020074.
CSTB-related disorder. Also called: CSTB-related condition.

gnomAD v4.1: 5 of 1,531,604 alleles (0.00033%); highest among the groups gnomAD compares: Non-Finnish European, 0.00044%; no homozygotes.

Submissions (2):

Labcorp Genetics (formerly Invitae), Labcorp
Classification: Likely benign for Progressive myoclonic epilepsy. Last evaluated: 2020-11-16. Review status: criteria provided, single submitter. Criteria: Invitae Variant Classification Sherloc (09022015). Collection method: clinical testing. Allele origin: germline.

PreventionGenetics, part of Exact Sciences
Classification: Likely benign for CSTB-related condition. Last evaluated: 2024-02-20. Review status: no assertion criteria provided. Collection method: clinical testing. Allele origin: germline. Not counted in ClinVar's aggregate classification.
Comment: This variant is classified as likely benign based on ACMG/AMP sequence variant interpretation guidelines (Richards et al. 2015 PMID: 25741868, with internal and published modifications).